The following is an entry in ClinVar:

NM_001364905.1(LRBA):c.2586A>G (p.Gln862=)

Gene: LRBA (LPS responsive beige-like anchor protein; minus strand). Cytogenetic location: 4q31.3.
Variant type: single nucleotide variant.
Coding change: c.2586A>G on transcript NM_001364905.1 (MANE Select); coding-DNA position 2586, A replaced by G.
Protein change: p.Gln862=; no amino-acid change (glutamine 862 retained).
Molecular consequence: synonymous variant.
Genome position (GRCh38, 1-based): chr4:150,867,851, T>C on the plus strand (A>G on the coding strand, the complement: LRBA is on the minus strand). VCF-style: chr4-150867851-T-C. GRCh37 (hg19) VCF-style: chr4-151789003-T-C.
Other names: c.2586A>G, p.Gln862= (NM_001199282.3, NM_001367550.1, NM_006726.5).
Identifiers: ClinVar variation 1675967 (VCV001675967.39), dbSNP rs763553802, ClinGen allele CA3103188.

ClinVar aggregate classification (germline): Likely benign. Review status: criteria provided, multiple submitters, no conflicts (2 of 4 stars). 3 submissions from 3 submitters: Likely benign (2). 1 of the submissions does not count toward it. Last evaluated 2026-01-13.

Conditions:
Combined immunodeficiency due to LRBA deficiency. Also called: Common variable immunodeficiency 8, with autoimmunity. Identifiers: Orphanet 445018, MedGen C3553512, MONDO:0013863, OMIM 614700.
LRBA-related disorder. Also called: LRBA-related condition.

Allele frequency attached by ClinVar (database versions not stated): ExAC 0.00002; TOPMed 0.00002; gnomAD 0.00003; gnomAD exomes 0.00004.
gnomAD v4.1: 101 of 1,609,080 alleles (0.0063%); highest among the groups gnomAD compares: Non-Finnish European, 0.0079%; no homozygotes.

Submissions (3):

Labcorp Genetics (formerly Invitae), Labcorp
Classification: Likely benign for Combined immunodeficiency due to LRBA deficiency. Last evaluated: 2026-01-13. Review status: criteria provided, single submitter. Criteria: Invitae Variant Classification Sherloc (09022015). Collection method: clinical testing. Allele origin: germline.

CeGaT Center for Human Genetics Tuebingen
Classification: Likely benign. Last evaluated: 2022-02-01. Review status: criteria provided, single submitter. Criteria: CeGaT Center For Human Genetics Tuebingen Variant Classification Criteria Version 2. Collection method: clinical testing. Allele origin: germline. Affected: yes. Observed: 1 variant allele.

PreventionGenetics, part of Exact Sciences
Classification: Likely benign for LRBA-related condition. Last evaluated: 2020-07-28. Review status: no assertion criteria provided. Collection method: clinical testing. Allele origin: germline. Not counted in ClinVar's aggregate classification.
Comment: This variant is classified as likely benign based on ACMG/AMP sequence variant interpretation guidelines (Richards et al. 2015 PMID: 25741868, with internal and published modifications).